The following is an entry in ClinVar:

ClinVar aggregate classification (germline): Uncertain significance (1 of 4 stars; one submission).

gnomAD v4.1: 5 of 1,614,194 alleles (0.00031%); highest among the groups gnomAD compares: Middle Eastern, 0.016%; no homozygotes.

Submission:

Women's Health and Genetics/Laboratory Corporation of America, LabCorp
Classification: Uncertain significance. Last evaluated: 2026-05-07. Review status: criteria provided, single submitter. Criteria: LabCorp Variant Classification Summary - May 2015. Collection method: clinical testing. Allele origin: germline.
Comment: Variant summary: DMXL2 c.8198C>T (p.Ser2733Leu) results in a non-conservative amino acid change in the encoded protein sequence. Algorithms developed to predict the effect of missense changes on protein structure and function are either unavailable or do not agree on the potential impact of this missense change. The variant allele was found at a frequency of 8e-06 in 251334 control chromosomes. The available data on variant occurrences in the general population are insufficient to allow any conclusion about variant significance. To our knowledge, no occurrence of c.8198C>T in individuals affected with DMXL2-related conditions and no experimental evidence demonstrating its impact on protein function have been reported. No submitters have cited clinical-significance assessments for this variant to ClinVar. Based on the evidence outlined above, the variant was classified as uncertain significance.

NM_001378457.1(DMXL2):c.8264C>T (p.Ser2755Leu)

Gene: DMXL2 (Dmx like 2; minus strand). Cytogenetic location: 15q21.2.
Variant type: single nucleotide variant.
Coding change: c.8264C>T on transcript NM_001378457.1 (MANE Select); coding-DNA position 8264, C replaced by T.
Protein change: p.Ser2755Leu; replaces serine 2755 with leucine.
Molecular consequence: missense variant. On other transcripts: non-coding transcript variant (2).
Genome position (GRCh38, 1-based): chr15:51,457,401, G>A on the plus strand (C>T on the coding strand, the complement: DMXL2 is on the minus strand). VCF-style: chr15-51457401-G-A. GRCh37 (hg19) VCF-style: chr15-51749598-G-A.
Other names: c.8201C>T, p.Ser2734Leu (NM_001174116.3); c.6290C>T, p.Ser2097Leu (NM_001174117.3); c.8261C>T, p.Ser2754Leu (NM_001378458.1); c.7976C>T, p.Ser2659Leu (NM_001378459.1); c.6179C>T, p.Ser2060Leu (NM_001378460.1); c.8198C>T, p.Ser2733Leu (NM_015263.5); short protein forms S2060L, S2097L, S2659L, S2733L, S2734L, S2754L, S2755L.
Identifiers: ClinVar variation 4853487 (VCV004853487.1).
Genomic context (GRCh38, chr15:51,457,401, plus strand): 5'-GTGCTAGTCTGTCCAGTGCCCAGCCATGGCAGAGATGAAGGTGGATGCACCTGACTTGCT[G>A]AATAGGATGTTGCACTGGGTTGATAAAGAGTTGTAGTGGAACCACGATAATCAACATCAT-3'
Protein context (NP_001365386.1, residues 2745-2765): TLYQPSATSY[Ser2755Leu]ASQVHPPSSL